The following is an entry in ClinVar:

ClinVar aggregate classification (germline): Conflicting classifications of pathogenicity. Review status: criteria provided, conflicting classifications (1 of 4 stars). 2 submissions from 2 submitters: Uncertain significance (1); Likely benign (1). Last evaluated 2025-06-07.

Conditions:
LTBP4-related disorder. Also called: LTBP4-related condition.

Allele frequency attached by ClinVar (database versions not stated): ExAC 0.00001; gnomAD exomes 0.00001.
gnomAD v4.1: 9 of 1,613,440 alleles (0.00056%); highest among the groups gnomAD compares: Middle Eastern, 0.017%; no homozygotes.

Submissions (2):

PreventionGenetics, part of Exact Sciences
Classification: Likely benign for LTBP4-related condition. Last evaluated: 2025-06-07. Review status: criteria provided, single submitter. Criteria: ACMG Guidelines, 2015. Collection method: clinical testing. Allele origin: germline.
Comment: This variant is classified as likely benign based on ACMG/AMP sequence variant interpretation guidelines (Richards et al. 2015 PMID: 25741868, with internal and published modifications).

Labcorp Genetics (formerly Invitae), Labcorp
Classification: Uncertain significance. Last evaluated: 2022-02-09. Review status: criteria provided, single submitter. Criteria: Invitae Variant Classification Sherloc (09022015). Collection method: clinical testing. Allele origin: germline.
Comment: In summary, the available evidence is currently insufficient to determine the role of this variant in disease. Therefore, it has been classified as a Variant of Uncertain Significance. Algorithms developed to predict the effect of sequence changes on RNA splicing suggest that this variant may create or strengthen a splice site. This variant has not been reported in the literature in individuals affected with LTBP4-related conditions. This variant is present in population databases (rs761470112, gnomAD 0.003%). This sequence change affects codon 647 of the LTBP4 mRNA. It is a 'silent' change, meaning that it does not change the encoded amino acid sequence of the LTBP4 protein.

NM_001042545.2(LTBP4):c.1849C>A (p.Arg617=)

Gene: LTBP4 (latent transforming growth factor beta binding protein 4; plus strand). Cytogenetic location: 19q13.2.
Variant type: single nucleotide variant.
Coding change: c.1849C>A on transcript NM_001042545.2 (MANE Select); coding-DNA position 1849, C replaced by A.
Protein change: p.Arg617=; no amino-acid change (arginine 617 retained).
Molecular consequence: synonymous variant.
Genome position (GRCh38, 1-based): chr19:40,611,190, C>A. VCF-style: chr19-40611190-C-A. GRCh37 (hg19) VCF-style: chr19-41117096-C-A.
Other names: c.2050C>A, p.Arg684= (NM_001042544.1); c.1939C>A, p.Arg647= (NM_003573.2).
Identifiers: ClinVar variation 1474896 (VCV001474896.7), dbSNP rs761470112, ClinGen allele CA9448456.
Genomic context (GRCh38, chr19:40,611,190, plus strand): 5'-CCGGGCCCCCTGCCCTGTGCAGATGTGGATGAATGCACCCAGAGCCCAGGCCTGTGTGGC[C>A]GAGGGGCCTGCAAGAACCTGCCTGGCTCTTTCCGCTGTGTTTGCCCGGCTGGCTTCCGGG-3'
Protein context (NP_001036010.1, residues 607-627): ECTQSPGLCG[Arg617=]GACKNLPGSF